The following is an entry in ClinVar:

NM_017514.5(PLXNA3):c.371G>A (p.Arg124His)

Gene: PLXNA3 (plexin A3; plus strand). Cytogenetic location: Xq28.
Variant type: single nucleotide variant.
Coding change: c.371G>A on transcript NM_017514.5 (MANE Select); coding-DNA position 371, G replaced by A.
Protein change: p.Arg124His; replaces arginine 124 with histidine.
Molecular consequence: missense variant.
Genome position (GRCh38, 1-based): chrX:154,460,554, G>A. VCF-style: chrX-154460554-G-A. GRCh37 (hg19) VCF-style: chrX-153688894-G-A.
Other names: short protein forms R124H.
Identifiers: ClinVar variation 2461871 (VCV002461871.4), dbSNP rs201164440, ClinGen allele CA10563671.

ClinVar aggregate classification (germline): Uncertain significance. Review status: criteria provided, single submitter (1 of 4 stars). 2 submissions from 2 submitters: Uncertain significance (1). 1 of the submissions does not count toward it. Last evaluated 2023-02-14.

Conditions:
PLXNA3-related disorder. Also called: PLXNA3-related condition.

Allele frequency attached by ClinVar (database versions not stated): ESP Exome Variant Server 0.00009; gnomAD exomes 0.00009; TOPMed 0.00014; gnomAD 0.00016; ExAC 0.00017.
gnomAD v4.1: 121 of 1,208,790 alleles (0.01%); highest among the groups gnomAD compares: Middle Eastern, 0.023%; no homozygotes.

Submissions (2):

Ambry Genetics
Classification: Uncertain significance. Last evaluated: 2023-02-14. Review status: criteria provided, single submitter. Criteria: Ambry Variant Classification Scheme 2023. Collection method: clinical testing. Allele origin: germline.

PreventionGenetics, part of Exact Sciences
Classification: Likely benign for PLXNA3-related condition. Last evaluated: 2022-07-08. Review status: no assertion criteria provided. Collection method: clinical testing. Allele origin: germline. Not counted in ClinVar's aggregate classification.
Comment: This variant is classified as likely benign based on ACMG/AMP sequence variant interpretation guidelines (Richards et al. 2015 PMID: 25741868, with internal and published modifications).